The following is an entry in ClinVar:

ClinVar aggregate classification (germline): Uncertain significance. Review status: criteria provided, multiple submitters, no conflicts (2 of 4 stars). 2 submissions from 2 submitters: Uncertain significance (2). Last evaluated 2026-03-06.

Conditions:
PHGDH deficiency. Identifiers: Orphanet 79351, MedGen C1866174, MONDO:0011152, OMIM 601815.

Allele frequency attached by ClinVar (database versions not stated): ESP Exome Variant Server 0.00008; ExAC 0.00018.
gnomAD v4.1: 276 of 1,613,802 alleles (0.017%); highest among the groups gnomAD compares: Non-Finnish European, 0.021%; no homozygotes.

Submissions (2):

GeneDx
Classification: Uncertain significance. Last evaluated: 2026-03-06. Review status: criteria provided, single submitter. Criteria: GeneDx Variant Classification Process June 2021. Collection method: clinical testing. Allele origin: germline.
Comment: In silico analysis suggests that this missense variant does not alter protein structure/function; Previously reported with a second variant in the PHGDH gene in a proband with West syndrome; however additional clinical information and segregation data were not provided (PMID: 34055682); This variant is associated with the following publications: (PMID: 33758422, 34055682)

Labcorp Genetics (formerly Invitae), Labcorp
Classification: Uncertain significance for PHGDH deficiency. Last evaluated: 2022-10-25. Review status: criteria provided, single submitter. Criteria: Invitae Variant Classification Sherloc (09022015). Collection method: clinical testing. Allele origin: germline.
Comment: This sequence change replaces valine, which is neutral and non-polar, with isoleucine, which is neutral and non-polar, at codon 508 of the PHGDH protein (p.Val508Ile). This variant is present in population databases (rs199933895, gnomAD 0.03%). This missense change has been observed in individual(s) with West syndrome (PMID: 34055682). Advanced modeling of protein sequence and biophysical properties (such as structural, functional, and spatial information, amino acid conservation, physicochemical variation, residue mobility, and thermodynamic stability) performed at Invitae indicates that this missense variant is expected to disrupt PHGDH protein function. In summary, the available evidence is currently insufficient to determine the role of this variant in disease. Therefore, it has been classified as a Variant of Uncertain Significance.

Literature cited by the submitters: PubMed 34055682 (cited by Labcorp Genetics (formerly Invitae), Labcorp).

NM_006623.4(PHGDH):c.1522G>A (p.Val508Ile)

Gene: PHGDH (phosphoglycerate dehydrogenase; plus strand). Cytogenetic location: 1p12.
Variant type: single nucleotide variant.
Coding change: c.1522G>A on transcript NM_006623.4 (MANE Select); coding-DNA position 1522, G replaced by A.
Protein change: p.Val508Ile; replaces valine 508 with isoleucine.
Molecular consequence: missense variant.
Genome position (GRCh38, 1-based): chr1:119,743,960, G>A. VCF-style: chr1-119743960-G-A. GRCh37 (hg19) VCF-style: chr1-120286583-G-A.
Other names: c.1522G>A (NM_006623.3); short protein forms V508I.
Identifiers: ClinVar variation 2161835 (VCV002161835.3), dbSNP rs199933895, ClinGen allele CA1037481.